The following is an entry in ClinVar:

NM_015338.6(ASXL1):c.1463C>T (p.Ser488Phe)

Gene: ASXL1 (ASXL transcriptional regulator 1; plus strand). Cytogenetic location: 20q11.21.
Variant type: single nucleotide variant.
Coding change: c.1463C>T on transcript NM_015338.6 (MANE Select); coding-DNA position 1463, C replaced by T.
Protein change: p.Ser488Phe; replaces serine 488 with phenylalanine.
Molecular consequence: missense variant.
Genome position (GRCh38, 1-based): chr20:32,433,661, C>T. VCF-style: chr20-32433661-C-T. GRCh37 (hg19) VCF-style: chr20-31021464-C-T.
Other names: c.1280C>T, p.Ser427Phe (NM_001363734.1); short protein forms S427F, S488F.
Identifiers: ClinVar variation 1502784 (VCV001502784.7), dbSNP rs781545960, ClinGen allele CA9808357.
Genomic context (GRCh38, chr20:32,433,661, plus strand): 5'-GCACATCCTCTGCAGCACCCGACCTGGAGGGTCCCGAATTCCCAGTTGAGTCTGTGGCTT[C>T]TCGGATCCAGGCTGAGCCAGACAACTTGGCACGTGCCTCTGCATCTCCAGACAGAATTCC-3'
Protein context (NP_056153.2, residues 478-498): GPEFPVESVA[Ser488Phe]RIQAEPDNLA

ClinVar aggregate classification (germline): Conflicting classifications of pathogenicity. Review status: criteria provided, conflicting classifications (1 of 4 stars). 2 submissions from 2 submitters: Uncertain significance (1); Likely benign (1). Last evaluated 2025-05-11.

Conditions:
Bohring-Opitz syndrome. Also called: C-LIKE SYNDROME; BOHRING SYNDROME; OPITZ TRIGONOCEPHALY-LIKE SYNDROME; ASXL1-Related Bohring-Opitz Syndrome. Identifiers: Orphanet 97297, MedGen C0796232, MONDO:0011510, OMIM 605039.

Allele frequency attached by ClinVar (database versions not stated): gnomAD exomes 0.00004 and 0.00005; gnomAD 0.00005; ExAC 0.00004; TOPMed 0.00013.
gnomAD v4.1: 82 of 1,611,490 alleles (0.0051%); highest among the groups gnomAD compares: Admixed American, 0.01%; no homozygotes.

Submissions (2):

Labcorp Genetics (formerly Invitae), Labcorp
Classification: Uncertain significance. Last evaluated: 2025-05-11. Review status: criteria provided, single submitter. Criteria: Invitae Variant Classification Sherloc (09022015). Collection method: clinical testing. Allele origin: germline.
Comment: This sequence change replaces serine, which is neutral and polar, with phenylalanine, which is neutral and non-polar, at codon 488 of the ASXL1 protein (p.Ser488Phe). This variant is present in population databases (rs781545960, gnomAD 0.01%). This variant has not been reported in the literature in individuals affected with ASXL1-related conditions. ClinVar contains an entry for this variant (Variation ID: 1502784). An algorithm developed to predict the effect of missense changes on protein structure and function (PolyPhen-2) suggests that this variant is likely to be disruptive. In summary, the available evidence is currently insufficient to determine the role of this variant in disease. Therefore, it has been classified as a Variant of Uncertain Significance.

Department of Pathology and Laboratory Medicine, Sinai Health System
Classification: Likely benign for Bohring-Opitz syndrome. Last evaluated: 2021-12-01. Review status: criteria provided, single submitter. Criteria: ACMG Guidelines, 2015. Collection method: research. Allele origin: germline.